The following is an entry in ClinVar:

NM_000548.5(TSC2):c.3398G>A (p.Gly1133Glu)

Gene: TSC2 (TSC complex subunit 2; plus strand). Cytogenetic location: 16p13.3.
Variant type: single nucleotide variant.
Coding change: c.3398G>A on transcript NM_000548.5 (MANE Select); coding-DNA position 3398, G replaced by A.
Protein change: p.Gly1133Glu; replaces glycine 1133 with glutamic acid.
Molecular consequence: missense variant.
Genome position (GRCh38, 1-based): chr16:2,080,165, G>A. VCF-style: chr16-2080165-G-A. GRCh37 (hg19) VCF-style: chr16-2130166-G-A.
Other names: c.3266G>A, p.Gly1089Glu (NM_001077183.3, NM_001370404.1); c.3398G>A, p.Gly1133Glu (NM_001114382.3); c.3158G>A, p.Gly1053Glu (NM_001318827.2); c.3122G>A, p.Gly1041Glu (NM_001318829.2); c.2666G>A, p.Gly889Glu (NM_001318831.2); c.3299G>A, p.Gly1100Glu (NM_001318832.2); c.3269G>A, p.Gly1090Glu (NM_001363528.2, NM_001370405.1, NM_021055.3); short protein forms G1133E, G1100E, G1090E, G1053E, G889E, G1041E, G1089E.
Identifiers: ClinVar variation 535902 (VCV000535902.8), dbSNP rs1208166840, ClinGen allele CA394288334.

ClinVar aggregate classification (germline): Uncertain significance (1 of 4 stars; one submission).

Conditions:
Tuberous sclerosis 2 (TSC2). Identifiers: Orphanet 805, MedGen C1860707, MONDO:0013199, OMIM 613254.

Allele frequency attached by ClinVar (database versions not stated): gnomAD exomes below 0.00001.
gnomAD v4.1: 2 of 1,612,894 alleles (0.00012%); highest among the groups gnomAD compares: Non-Finnish European, 0.00017%; no homozygotes.

Submission:

Labcorp Genetics (formerly Invitae), Labcorp
Classification: Uncertain significance for Tuberous sclerosis 2. Last evaluated: 2017-08-28. Review status: criteria provided, single submitter. Criteria: Invitae Variant Classification Sherloc (09022015). Collection method: clinical testing. Allele origin: germline.
Comment: This variant has not been reported in the literature in individuals with TSC2-related disease. Algorithms developed to predict the effect of missense changes on protein structure and function do not agree on the potential impact of this missense change (SIFT: "Deleterious"; PolyPhen-2: "Probably Damaging"; Align-GVGD: "Class C0"). In summary, the available evidence is currently insufficient to determine the role of this variant in disease. Therefore, it has been classified as a Variant of Uncertain Significance. This variant is not present in population databases (ExAC no frequency). This sequence change replaces glycine with glutamic acid at codon 1133 of the TSC2 protein (p.Gly1133Glu). The glycine residue is highly conserved and there is a moderate physicochemical difference between glycine and glutamic acid.